The following is an entry in ClinVar:

NM_014946.4(SPAST):c.1385A>T (p.Lys462Ile)

Gene: SPAST (spastin; plus strand). Cytogenetic location: 2p22.3.
Variant type: single nucleotide variant.
Coding change: c.1385A>T on transcript NM_014946.4 (MANE Select); coding-DNA position 1385, A replaced by T.
Protein change: p.Lys462Ile; replaces lysine 462 with isoleucine.
Molecular consequence: missense variant.
Genome position (GRCh38, 1-based): chr2:32,136,940, A>T. VCF-style: chr2-32136940-A-T. GRCh37 (hg19) VCF-style: chr2-32362009-A-T.
Other names: c.1382A>T, p.Lys461Ile (NM_001363823.2); c.1286A>T, p.Lys429Ile (NM_001363875.2); c.1289A>T, p.Lys430Ile (NM_001377959.1, NM_199436.2); short protein forms K429I, K430I, K461I, K462I.
Identifiers: ClinVar variation 2446321 (VCV002446321.1), dbSNP rs2465884214, ClinGen allele CA346502303.

ClinVar aggregate classification (germline): Uncertain significance (1 of 4 stars; one submission).

Submission:

GeneDx
Classification: Uncertain significance. Last evaluated: 2023-03-24. Review status: criteria provided, single submitter. Criteria: GeneDx Variant Classification Process June 2021. Collection method: clinical testing. Allele origin: germline. Affected: yes.
Comment: Not observed at significant frequency in large population cohorts (gnomAD); In silico analysis supports that this missense variant has a deleterious effect on protein structure/function; Has not been previously published as pathogenic or benign to our knowledge; This variant is associated with the following publications: (PMID: 21139634, 26094131)